The following is an entry in ClinVar:

NM_001277313.2(FMN1):c.1867+6T>C

Gene: FMN1 (formin 1; minus strand). Cytogenetic location: 15q13.3.
Variant type: single nucleotide variant.
Coding change: c.1867+6T>C on transcript NM_001277313.2 (MANE Select); 6 bases into the intron after coding-DNA position 1867, T replaced by C.
Molecular consequence: intron variant.
Genome position (GRCh38, 1-based): chr15:33,153,042, A>G on the plus strand (T>C on the coding strand, the complement: FMN1 is on the minus strand). VCF-style: chr15-33153042-A-G. GRCh37 (hg19) VCF-style: chr15-33445243-A-G.
Other names: c.1867+6T>C (NM_001277314.2).
Identifiers: ClinVar variation 3657426 (VCV003657426.2).

ClinVar aggregate classification (germline): Uncertain significance (1 of 4 stars; one submission).

gnomAD v4.1: 16 of 1,504,550 alleles (0.0011%); highest among the groups gnomAD compares: Admixed American, 0.0045%; no homozygotes.

Submission:

Labcorp Genetics (formerly Invitae), Labcorp
Classification: Uncertain significance. Last evaluated: 2025-03-01. Review status: criteria provided, single submitter. Criteria: Invitae Variant Classification Sherloc (09022015). Collection method: clinical testing. Allele origin: germline.
Comment: The FMN1 gene has multiple clinically relevant transcripts. This variant occurs in alternate transcript NM_001277314.1, and corresponds to NM_001103184.3:c.-85158T>C in the primary transcript. This sequence change falls in intron 4 of the FMN1 gene. It does not directly change the encoded amino acid sequence of the FMN1 protein. It affects a nucleotide within the consensus splice site. This variant is present in population databases (no rsID available, gnomAD 0.01%). This variant has not been reported in the literature in individuals affected with FMN1-related conditions. Variants that disrupt the consensus splice site are a relatively common cause of aberrant splicing (PMID: 17576681, 9536098). Experimental studies and prediction algorithms are not available or were not evaluated, and the effect of this variant on mRNA splicing is currently unknown. In summary, the available evidence is currently insufficient to determine the role of this variant in disease. Therefore, it has been classified as a Variant of Uncertain Significance.

Literature cited by the submitters: PubMed 17576681; PubMed 9536098.